The following is an entry in ClinVar:

NM_005477.3(HCN4):c.2371G>A (p.Val791Met)

Gene: HCN4 (hyperpolarization activated cyclic nucleotide gated potassium channel 4; minus strand). Cytogenetic location: 15q24.1.
Variant type: single nucleotide variant.
Coding change: c.2371G>A on transcript NM_005477.3 (MANE Select); coding-DNA position 2371, G replaced by A.
Protein change: p.Val791Met; replaces valine 791 with methionine.
Molecular consequence: missense variant.
Genome position (GRCh38, 1-based): chr15:73,323,722, C>T on the plus strand (G>A on the coding strand, the complement: HCN4 is on the minus strand). VCF-style: chr15-73323722-C-T. GRCh37 (hg19) VCF-style: chr15-73616063-C-T.
Other names: short protein forms V791M.
Identifiers: ClinVar variation 4807577 (VCV004807577.1).

ClinVar aggregate classification (germline): Uncertain significance (1 of 4 stars; one submission).

Conditions:
Brugada syndrome 8 (BRGDA8). Identifiers: Orphanet 130, MedGen C2751083, MONDO:0013148, OMIM 613123.

gnomAD v4.1: 1 of 1,602,216 alleles (0.000062%); highest among the groups gnomAD compares: Non-Finnish European, 0.000085%; no homozygotes.

Submission:

Labcorp Genetics (formerly Invitae), Labcorp
Classification: Uncertain significance for Brugada syndrome 8. Last evaluated: 2025-06-10. Review status: criteria provided, single submitter. Criteria: Invitae Variant Classification Sherloc (09022015). Collection method: clinical testing. Allele origin: germline.
Comment: This sequence change replaces valine, which is neutral and non-polar, with methionine, which is neutral and non-polar, at codon 791 of the HCN4 protein (p.Val791Met). This variant is not present in population databases (gnomAD no frequency). This variant has not been reported in the literature in individuals affected with HCN4-related conditions. Invitae Evidence Modeling of protein sequence and biophysical properties (such as structural, functional, and spatial information, amino acid conservation, physicochemical variation, residue mobility, and thermodynamic stability) has been performed for this missense variant. However, the output from this modeling did not meet the statistical confidence thresholds required to predict the impact of this variant on HCN4 protein function. In summary, the available evidence is currently insufficient to determine the role of this variant in disease. Therefore, it has been classified as a Variant of Uncertain Significance.